The following is an entry in ClinVar:

NM_004560.4(ROR2):c.2627C>T (p.Thr876Met)

Gene: ROR2 (receptor tyrosine kinase like orphan receptor 2; minus strand). Cytogenetic location: 9q22.31.
Variant type: single nucleotide variant.
Coding change: c.2627C>T on transcript NM_004560.4 (MANE Select); coding-DNA position 2627, C replaced by T.
Protein change: p.Thr876Met; replaces threonine 876 with methionine.
Molecular consequence: missense variant.
Genome position (GRCh38, 1-based): chr9:91,723,867, G>A on the plus strand (C>T on the coding strand, the complement: ROR2 is on the minus strand). VCF-style: chr9-91723867-G-A. GRCh37 (hg19) VCF-style: chr9-94486149-G-A.
Other names: short protein forms T876M.
Identifiers: ClinVar variation 3010010 (VCV003010010.4), dbSNP rs780709405, ClinGen allele CA5120346.

ClinVar aggregate classification (germline): Uncertain significance. Review status: criteria provided, multiple submitters, no conflicts (2 of 4 stars). 2 submissions from 2 submitters: Uncertain significance (2). Last evaluated 2024-05-21.

Conditions:
Autosomal recessive Robinow syndrome (RRS1). Also called: COSTOVERTEBRAL SEGMENTATION DEFECT WITH MESOMELIA; COVESDEM SYNDROME; ROR2-Related Robinow Syndrome; ROBINOW SYNDROME, AUTOSOMAL RECESSIVE 1. Identifiers: Orphanet 1507, Orphanet 97360, MedGen C5399974, MONDO:0009999, OMIM 268310.
Brachydactyly type B1 (BDB1). Identifiers: Orphanet 572385, Orphanet 93383, MedGen C1862112, MONDO:0007220, OMIM 113000.

Allele frequency attached by ClinVar (database versions not stated): gnomAD exomes below 0.00001; ExAC 0.00001; gnomAD 0.00001; TOPMed 0.00001.
gnomAD v4.1: 7 of 1,613,916 alleles (0.00043%); highest among the groups gnomAD compares: Middle Eastern, 0.016%; no homozygotes.

Submissions (2):

Fulgent Genetics
Classification: Uncertain significance for Brachydactyly type B1; Autosomal recessive Robinow syndrome. Last evaluated: 2024-05-21. Review status: criteria provided, single submitter. Criteria: ACMG Guidelines, 2015. Collection method: clinical testing. Allele origin: germline.

Labcorp Genetics (formerly Invitae), Labcorp
Classification: Uncertain significance. Last evaluated: 2023-05-16. Review status: criteria provided, single submitter. Criteria: Invitae Variant Classification Sherloc (09022015). Collection method: clinical testing. Allele origin: germline.
Comment: In summary, the available evidence is currently insufficient to determine the role of this variant in disease. Therefore, it has been classified as a Variant of Uncertain Significance. This sequence change replaces threonine, which is neutral and polar, with methionine, which is neutral and non-polar, at codon 876 of the ROR2 protein (p.Thr876Met). This variant is present in population databases (rs780709405, gnomAD 0.0009%). This variant has not been reported in the literature in individuals affected with ROR2-related conditions. Advanced modeling of protein sequence and biophysical properties (such as structural, functional, and spatial information, amino acid conservation, physicochemical variation, residue mobility, and thermodynamic stability) performed at Invitae indicates that this missense variant is not expected to disrupt ROR2 protein function.